The following is an entry in ClinVar:

ClinVar aggregate classification (germline): Pathogenic (3 of 4 stars; one submission).

Conditions:
Breast-ovarian cancer, familial, susceptibility to, 1 (BROVCA1). Also called: BRCA1 Hereditary Breast and Ovarian Cancer; OVARIAN CANCER, SUSCEPTIBILITY TO. Identifiers: Orphanet 145, MedGen C2676676, MONDO:0011450, OMIM 604370. Disease mechanism: loss of function.

Submission:

Evidence-based Network for the Interpretation of Germline Mutant Alleles (ENIGMA)
Classification: Pathogenic for Breast-ovarian cancer, familial, susceptibility to, 1. Last evaluated: 2017-12-15. Review status: reviewed by expert panel. Criteria: ENIGMA BRCA1/2 Classification Criteria (2017-06-29). Collection method: curation. Allele origin: germline. Study: ENIGMA.
Comment: Variant allele predicted to encode a truncated non-functional protein.

NM_007294.4(BRCA1):c.1218_1219insA (p.Ala407fs)

Gene: BRCA1 (BRCA1 DNA repair associated; minus strand). Cytogenetic location: 17q21.31.
Variant type: Insertion.
Coding change: c.1218_1219insA on transcript NM_007294.4 (MANE Select); coding-DNA positions 1218 to 1219, A inserted.
Protein change: p.Ala407fs; shifts the reading frame from alanine 407.
Molecular consequence: frameshift variant. On other transcripts: intron variant (137).
Genome position: GRCh38 VCF-style: chr17-43094312-C-CT. GRCh37 (hg19) VCF-style: chr17-41246329-C-CT.
Other names: c.954_955insA, p.Ala319fs (NM_001407925.1, NM_001407926.1, NM_001407927.1 and 9 more transcripts); c.951_952insA, p.Ala318fs (NM_001407930.1, NM_001407931.1, NM_001407932.1 and 2 more transcripts); c.1077_1078insA, p.Ala360fs (NM_001407942.1, NM_001407944.1, NM_001407945.1 and 29 more transcripts); c.1074_1075insA, p.Ala359fs (NM_001407943.1, NM_001407964.1, NM_001407740.1 and 20 more transcripts); c.885_886insA, p.Ala296fs (NM_001407946.1, NM_001407947.1, NM_001407948.1 and 6 more transcripts); c.837_838insA, p.Ala280fs (NM_001407960.1, NM_001407963.1, NM_001407959.1); c.834_835insA, p.Ala279fs (NM_001407962.1); c.714_715insA, p.Ala239fs (NM_001407965.1); and 40 more; short protein forms A407fs, A360fs, A318fs, A319fs, A359fs, A365fs, A380fs, A239fs.
Identifiers: ClinVar variation 548307 (VCV000548307.2), dbSNP rs1555592129, ClinGen allele CA658824532.
Genomic context (GRCh38, chr17:43,094,312, plus strand): 5'-CTGAAGAACCAGAATATTCATCTACCTCATTTAGAACGTCCAATACATCAGCTACTTTGG[C>CT]ATTTGATTCAGACTCCCCATCATGTGAGTCATCAGAACCTAACAGTTCATCACTTCTGGA-3'